The following is an entry in ClinVar:

ClinVar aggregate classification (germline): Uncertain significance (1 of 4 stars; one submission).

Conditions:
Inborn genetic diseases. Identifiers: MedGen C0950123, MeSH D030342.

Allele frequency attached by ClinVar (database versions not stated): ExAC 0.00001; gnomAD 0.00001; 1000 Genomes Project 30x 0.00016; 1000 Genomes Project 0.00020.

Submission:

Ambry Genetics
Classification: Uncertain significance for Inborn genetic diseases. Last evaluated: 2020-03-09. Review status: criteria provided, single submitter. Criteria: Ambry Variant Classification Scheme 2023. Collection method: clinical testing. Allele origin: germline.
Comment: The p.T989I variant (also known as c.2966C>T), located in coding exon 19 of the INF2 gene, results from a C to T substitution at nucleotide position 2966. The threonine at codon 989 is replaced by isoleucine, an amino acid with similar properties. This amino acid position is highly conserved in available vertebrate species. In addition, this alteration is predicted to be tolerated by in silico analysis. Since supporting evidence is limited at this time, the clinical significance of this alteration remains unclear.

NM_022489.4(INF2):c.2966C>T (p.Thr989Ile)

Gene: INF2 (inverted formin 2; plus strand). Cytogenetic location: 14q32.33.
Variant type: single nucleotide variant.
Coding change: c.2966C>T on transcript NM_022489.4 (MANE Select); coding-DNA position 2966, C replaced by T.
Protein change: p.Thr989Ile; replaces threonine 989 with isoleucine.
Molecular consequence: missense variant.
Genome position (GRCh38, 1-based): chr14:104,713,532, C>T. VCF-style: chr14-104713532-C-T. GRCh37 (hg19) VCF-style: chr14-105179869-C-T.
Other names: c.2966C>T, p.Thr989Ile (NM_001031714.4); short protein forms T989I.
Identifiers: ClinVar variation 1798219 (VCV001798219.2), dbSNP rs562934742, ClinGen allele CA7373137.
Genomic context (GRCh38, chr14:104,713,532, plus strand): 5'-AGGTGTGTGTCATCGATGCCCTGCTGGCTGACATCAGGAAGGGCTTCCAGCTGCGGAAGA[C>T]AGCCCGGGGCCGCGGGGACACCGACGGGGGCAGCAAGGCAGCCTCCATGGATCCCCCAAG-3'
Protein context (NP_071934.3, residues 979-999): DIRKGFQLRK[Thr989Ile]ARGRGDTDGG